The following is an entry in ClinVar:

NM_001868.4(CPA1):c.865A>G (p.Ile289Val)

Gene: CPA1 (carboxypeptidase A1; plus strand). Cytogenetic location: 7q32.2.
Variant type: single nucleotide variant.
Coding change: c.865A>G on transcript NM_001868.4 (MANE Select); coding-DNA position 865, A replaced by G.
Protein change: p.Ile289Val; replaces isoleucine 289 with valine.
Molecular consequence: missense variant.
Genome position (GRCh38, 1-based): chr7:130,385,223, A>G. VCF-style: chr7-130385223-A-G. GRCh37 (hg19) VCF-style: chr7-130025064-A-G.
Other names: short protein forms I289V.
Identifiers: ClinVar variation 1424809 (VCV001424809.11), dbSNP rs782170635, ClinGen allele CA369283510.

ClinVar aggregate classification (germline): Uncertain significance. Review status: criteria provided, multiple submitters, no conflicts (2 of 4 stars). 2 submissions from 2 submitters: Uncertain significance (2). Last evaluated 2025-11-25.

Conditions:
Hereditary pancreatitis (PCTT). Also called: Hereditary chronic pancreatitis; PRSS1-Related Hereditary Pancreatitis. Identifiers: Orphanet 676, MedGen C0238339, MONDO:0008185, OMIM 167800.

Allele frequency attached by ClinVar (database versions not stated): gnomAD exomes below 0.00001.
gnomAD v4.1: 8 of 1,614,136 alleles (0.0005%); highest among the groups gnomAD compares: Admixed American, 0.0033%; no homozygotes.

Submissions (2):

Ambry Genetics
Classification: Uncertain significance for Hereditary pancreatitis. Last evaluated: 2025-11-25. Review status: criteria provided, single submitter. Criteria: Ambry Variant Classification Scheme 2023. Collection method: clinical testing. Allele origin: germline.

Labcorp Genetics (formerly Invitae), Labcorp
Classification: Uncertain significance. Last evaluated: 2022-10-25. Review status: criteria provided, single submitter. Criteria: Invitae Variant Classification Sherloc (09022015). Collection method: clinical testing. Allele origin: germline.
Comment: Advanced modeling of protein sequence and biophysical properties (such as structural, functional, and spatial information, amino acid conservation, physicochemical variation, residue mobility, and thermodynamic stability) performed at Invitae indicates that this missense variant is not expected to disrupt CPA1 protein function. ClinVar contains an entry for this variant (Variation ID: 1424809). This variant has not been reported in the literature in individuals affected with CPA1-related conditions. In summary, the available evidence is currently insufficient to determine the role of this variant in disease. Therefore, it has been classified as a Variant of Uncertain Significance. This variant is present in population databases (no rsID available, gnomAD 0.003%). This sequence change replaces isoleucine, which is neutral and non-polar, with valine, which is neutral and non-polar, at codon 289 of the CPA1 protein (p.Ile289Val).